The following is an entry in ClinVar:

NM_001101677.2(SOHLH1):c.210G>A (p.Ser70=)

Gene: SOHLH1 (spermatogenesis and oogenesis specific basic helix-loop-helix 1; minus strand). Cytogenetic location: 9q34.3.
Variant type: single nucleotide variant.
Coding change: c.210G>A on transcript NM_001101677.2 (MANE Select); coding-DNA position 210, G replaced by A.
Protein change: p.Ser70=; no amino-acid change (serine 70 retained).
Molecular consequence: synonymous variant.
Genome position (GRCh38, 1-based): chr9:135,698,464, C>T on the plus strand (G>A on the coding strand, the complement: SOHLH1 is on the minus strand). VCF-style: chr9-135698464-C-T. GRCh37 (hg19) VCF-style: chr9-138590310-C-T.
Other names: c.210G>A, p.Ser70= (NM_001012415.3).
Identifiers: ClinVar variation 781670 (VCV000781670.18), dbSNP rs147567724, ClinGen allele CA5326036.

ClinVar aggregate classification (germline): Benign/Likely benign. Review status: criteria provided, multiple submitters, no conflicts (2 of 4 stars). 3 submissions from 3 submitters: Benign (2); Likely benign (1). Last evaluated 2026-08-01.

Allele frequency attached by ClinVar (database versions not stated): 1000 Genomes Project 0.00140; 1000 Genomes Project 30x 0.00141; gnomAD 0.00461 and 0.00471; TOPMed 0.00467; ESP Exome Variant Server 0.00577.

Submissions (3):

CeGaT Center for Human Genetics Tuebingen
Classification: Likely benign. Last evaluated: 2026-08-01. Review status: criteria provided, single submitter. Criteria: CeGaT Center For Human Genetics Tuebingen Variant Classification Criteria Version 2. Collection method: clinical testing. Allele origin: germline. Affected: yes. Observed: 2 variant alleles.
Comment: SOHLH1: BP4, BP7, BS2

Labcorp Genetics (formerly Invitae), Labcorp
Classification: Benign. Last evaluated: 2019-12-31. Review status: criteria provided, single submitter. Criteria: Invitae Variant Classification Sherloc (09022015). Collection method: clinical testing. Allele origin: germline.

Breakthrough Genomics
Classification: Benign. Review status: criteria provided, single submitter. Criteria: ACMG Guidelines, 2015. Collection method: not provided. Allele origin: germline. Inheritance: Autosomal recessive inheritance. Affected: yes.